The following is an entry in ClinVar:

ClinVar aggregate classification (germline): Uncertain significance (1 of 4 stars; one submission).

Conditions:
Adams-Oliver syndrome 5 (AOS5). Identifiers: Orphanet 974, MedGen C4014970, MONDO:0014459, OMIM 616028.

Submission:

Labcorp Genetics (formerly Invitae), Labcorp
Classification: Uncertain significance for Adams-Oliver syndrome 5. Last evaluated: 2025-11-25. Review status: criteria provided, single submitter. Criteria: Invitae Variant Classification Sherloc (09022015). Collection method: clinical testing. Allele origin: germline.
Comment: This sequence change replaces phenylalanine, which is neutral and non-polar, with valine, which is neutral and non-polar, at codon 520 of the NOTCH1 protein (p.Phe520Val). This variant is not present in population databases (gnomAD no frequency). This variant has not been reported in the literature in individuals affected with NOTCH1-related conditions. An algorithm developed to predict the effect of missense changes on protein structure and function (PolyPhen-2) suggests that this variant is likely to be disruptive. In summary, the available evidence is currently insufficient to determine the role of this variant in disease. Therefore, it has been classified as a Variant of Uncertain Significance.

NM_017617.5(NOTCH1):c.1558T>G (p.Phe520Val)

Gene: NOTCH1 (notch receptor 1; minus strand). Cytogenetic location: 9q34.3.
Variant type: single nucleotide variant.
Coding change: c.1558T>G on transcript NM_017617.5 (MANE Select); coding-DNA position 1558, T replaced by G.
Protein change: p.Phe520Val; replaces phenylalanine 520 with valine.
Molecular consequence: missense variant.
Genome position (GRCh38, 1-based): chr9:136,516,092, A>C on the plus strand (T>G on the coding strand, the complement: NOTCH1 is on the minus strand). VCF-style: chr9-136516092-A-C. GRCh37 (hg19) VCF-style: chr9-139410544-A-C.
Other names: short protein forms F520V.
Identifiers: ClinVar variation 4731961 (VCV004731961.1).
Genomic context (GRCh38, chr9:136,516,092, plus strand): 5'-CATTCTTGCAGGGGGTGCTGGCACACTCGTCCACATCGTACTGGCACAGATGCCCAGTGA[A>C]GCCTGGGGCCGGGGAGGGGAGGGGAGGGAGTCATGTGCAACAGCACTATGGCCCTTCAGG-3'
Protein context (NP_060087.3, residues 510-530): NEFQCECPTG[Phe520Val]TGHLCQYDVD